The following is an entry in ClinVar:

NM_001329943.3(KIAA0586):c.3286G>T (p.Glu1096Ter)

Gene: KIAA0586 (KIAA0586; plus strand). Cytogenetic location: 14q23.1.
Variant type: single nucleotide variant.
Coding change: c.3286G>T on transcript NM_001329943.3 (MANE Select); coding-DNA position 3286, G replaced by T.
Protein change: p.Glu1096Ter; replaces glutamic acid 1096 with a stop codon.
Molecular consequence: nonsense.
Genome position (GRCh38, 1-based): chr14:58,487,148, G>T. VCF-style: chr14-58487148-G-T. GRCh37 (hg19) VCF-style: chr14-58953866-G-T.
Other names: c.3445G>T, p.Glu1149Ter (NM_001244189.2); c.3241G>T, p.Glu1081Ter (NM_001244190.2); c.3031G>T, p.Glu1011Ter (NM_001244191.2, NM_001329945.2, NM_001364700.1 and 1 more transcripts); c.3154G>T, p.Glu1052Ter (NM_001244192.2); c.2866G>T, p.Glu956Ter (NM_001244193.2); c.3286G>T, p.Glu1096Ter (NM_001329944.2, NM_001329946.2, NM_001329947.2); c.3058G>T, p.Glu1020Ter (NM_014749.5); short protein forms E1011*, E1052*, E1081*, E1096*, E1149*, E1020*, E956*.
Identifiers: ClinVar variation 4792074 (VCV004792074.1).

ClinVar aggregate classification (germline): Pathogenic (1 of 4 stars; one submission).

Conditions:
Short-rib thoracic dysplasia 14 with polydactyly (SRTD14). Identifiers: Orphanet 397715, MedGen C4225286, MONDO:0014688, OMIM 616546.
Joubert syndrome 23 (JBTS23). Identifiers: Orphanet 475, MedGen C4084822, MONDO:0014664, OMIM 616490.

Submission:

Labcorp Genetics (formerly Invitae), Labcorp
Classification: Pathogenic for Joubert syndrome 23; Short-rib thoracic dysplasia 14 with polydactyly. Last evaluated: 2025-11-13. Review status: criteria provided, single submitter. Criteria: Invitae Variant Classification Sherloc (09022015). Collection method: clinical testing. Allele origin: germline.
Comment: This sequence change creates a premature translational stop signal (p.Glu1149*) in the KIAA0586 gene. It is expected to result in an absent or disrupted protein product. Loss-of-function variants in KIAA0586 are known to be pathogenic (PMID: 26096313, 26166481, 26386044). This variant is not present in population databases (gnomAD no frequency). This variant has not been reported in the literature in individuals affected with KIAA0586-related conditions. For these reasons, this variant has been classified as Pathogenic.

Literature cited by the submitters: PubMed 26096313; PubMed 26166481; PubMed 26386044.